The following is an entry in ClinVar:

NM_001134407.3(GRIN2A):c.2497A>G (p.Ile833Val)

Gene: GRIN2A (glutamate ionotropic receptor NMDA type subunit 2A; minus strand). Cytogenetic location: 16p13.2.
Variant type: single nucleotide variant.
Coding change: c.2497A>G on transcript NM_001134407.3 (MANE Select); coding-DNA position 2497, A replaced by G.
Protein change: p.Ile833Val; replaces isoleucine 833 with valine.
Molecular consequence: missense variant.
Genome position (GRCh38, 1-based): chr16:9,768,949, T>C on the plus strand (A>G on the coding strand, the complement: GRIN2A is on the minus strand). VCF-style: chr16-9768949-T-C. GRCh37 (hg19) VCF-style: chr16-9862806-T-C.
Other names: c.2497A>G, p.Ile833Val (NM_000833.5, NM_001134408.2); short protein forms I833V.
Identifiers: ClinVar variation 321610 (VCV000321610.5), dbSNP rs774656858, ClinGen allele CA7896500.

ClinVar aggregate classification (germline): Benign (1 of 4 stars; one submission).

Conditions:
Landau-Kleffner syndrome (FESD). Also called: EPILEPSY, FOCAL, WITH SPEECH DISORDER AND WITH OR WITHOUT MENTAL RETARDATION; APHASIA, ACQUIRED, WITH EPILEPSY. Identifiers: Orphanet 1945, Orphanet 725, Orphanet 98818, MedGen C0282512, MONDO:0009509, OMIM 245570.

Allele frequency attached by ClinVar (database versions not stated): gnomAD exomes 0.00001; ExAC 0.00002.
gnomAD v4.1: 10 of 1,614,128 alleles (0.00062%); highest among the groups gnomAD compares: South Asian, 0.011%; no homozygotes.

Submission:

Illumina Laboratory Services, Illumina
Classification: Benign for Landau-Kleffner syndrome. Last evaluated: 2018-01-13. Review status: criteria provided, single submitter. Criteria: ICSL Variant Classification Criteria 13 December 2019. Collection method: clinical testing. Allele origin: germline.
Comment: This variant was observed in the ICSL laboratory as part of a predisposition screen in an ostensibly healthy population. It had not been previously curated by ICSL or reported in the Human Gene Mutation Database (HGMD: prior to June 1st, 2018), and was therefore a candidate for classification through an automated scoring system. Utilizing variant allele frequency, disease prevalence and penetrance estimates, and inheritance mode, an automated score was calculated to assess if this variant is too frequent to cause the disease. Based on the score and internal cut-off values, a variant classified as benign is not then subjected to further curation. The score for this variant resulted in a classification of benign for this disease.